The following is an entry in ClinVar:

ClinVar aggregate classification (germline): Likely benign. Review status: criteria provided, multiple submitters, no conflicts (2 of 4 stars). 3 submissions from 3 submitters: Likely benign (3). Last evaluated 2025-12-29.

Conditions:
EVC2-related disorder. Also called: EVC2-related condition.
Ellis-van Creveld syndrome (EVC). Also called: MESOECTODERMAL DYSPLASIA; Chondroectodermal dysplasia. Identifiers: Orphanet 289, MedGen C0013903, MONDO:0009162, OMIM 225500.
Curry-Hall syndrome (WAD). Also called: WEYERS ACRODENTAL DYSOSTOSIS. Identifiers: Orphanet 952, MedGen C0457013, MONDO:0008673, OMIM 193530.

Allele frequency attached by ClinVar (database versions not stated): gnomAD exomes 0.00005; ExAC 0.00007; gnomAD 0.00012 and 0.00014; TOPMed 0.00012; ESP Exome Variant Server 0.00015; 1000 Genomes Project 0.00020; 1000 Genomes Project 30x 0.00031.
gnomAD v4.1: 87 of 1,593,034 alleles (0.0055%); highest among the groups gnomAD compares: African/African-American, 0.043%; no homozygotes.

Submissions (3):

PreventionGenetics, part of Exact Sciences
Classification: Likely benign for EVC2-related condition. Last evaluated: 2025-12-29. Review status: criteria provided, single submitter. Criteria: ACMG Guidelines, 2015. Collection method: clinical testing. Allele origin: germline.
Comment: This variant is classified as likely benign based on ACMG/AMP sequence variant interpretation guidelines (Richards et al. 2015 PMID: 25741868, with internal and published modifications).

Labcorp Genetics (formerly Invitae), Labcorp
Classification: Likely benign for Curry-Hall syndrome; Ellis-van Creveld syndrome. Last evaluated: 2025-09-05. Review status: criteria provided, single submitter. Criteria: Invitae Variant Classification Sherloc (09022015). Collection method: clinical testing. Allele origin: germline.

GeneDx
Classification: Likely benign. Last evaluated: 2017-03-15. Review status: criteria provided, single submitter. Criteria: GeneDx Variant Classification (06012015). Collection method: clinical testing. Allele origin: germline. Affected: yes.
Comment: This variant is considered likely benign or benign based on one or more of the following criteria: it is a conservative change, it occurs at a poorly conserved position in the protein, it is predicted to be benign by multiple in silico algorithms, and/or has population frequency not consistent with disease.

NM_147127.5(EVC2):c.3483G>A (p.Ser1161=)

Gene: EVC2 (EvC ciliary complex subunit 2; minus strand). Cytogenetic location: 4p16.2.
Variant type: single nucleotide variant.
Coding change: c.3483G>A on transcript NM_147127.5 (MANE Select); coding-DNA position 3483, G replaced by A.
Protein change: p.Ser1161=; no amino-acid change (serine 1161 retained).
Molecular consequence: synonymous variant.
Genome position (GRCh38, 1-based): chr4:5,568,518, C>T on the plus strand (G>A on the coding strand, the complement: EVC2 is on the minus strand). VCF-style: chr4-5568518-C-T. GRCh37 (hg19) VCF-style: chr4-5570245-C-T.
Other names: c.3243G>A, p.Ser1081= (NM_001166136.2).
Identifiers: ClinVar variation 508105 (VCV000508105.7), dbSNP rs374038474, ClinGen allele CA2834304.